The following is an entry in ClinVar:

NM_000238.4(KCNH2):c.23T>G (p.Val8Gly)

Gene: KCNH2 (potassium voltage-gated channel subfamily H member 2; minus strand). Cytogenetic location: 7q36.1.
Variant type: single nucleotide variant.
Coding change: c.23T>G on transcript NM_000238.4 (MANE Select); coding-DNA position 23, T replaced by G.
Protein change: p.Val8Gly; replaces valine 8 with glycine.
Molecular consequence: missense variant. On other transcripts: non-coding transcript variant (1).
Genome position (GRCh38, 1-based): chr7:150,977,891, A>C on the plus strand (T>G on the coding strand, the complement: KCNH2 is on the minus strand). VCF-style: chr7-150977891-A-C. GRCh37 (hg19) VCF-style: chr7-150674979-A-C.
Other names: c.23T>G, p.Val8Gly (NM_172056.3); short protein forms V8G.
Identifiers: ClinVar variation 3073879 (VCV003073879.1), dbSNP rs2486167432, ClinGen allele CA369866747.

ClinVar aggregate classification (germline): Uncertain significance (1 of 4 stars; one submission).

Conditions:
Long QT syndrome (LQTS). Identifiers: MedGen C0023976, MeSH D008133, MONDO:0002442. Disease mechanism: loss of function. Inheritance: Various modes of inheritance.

Submission:

All of Us Research Program, National Institutes of Health
Classification: Uncertain significance for Long QT syndrome. Last evaluated: 2023-11-30. Review status: criteria provided, single submitter. Criteria: ACMG Guidelines, 2015. Collection method: clinical testing. Allele origin: germline. Inheritance: Autosomal dominant inheritance. Observed: 1 variant allele, 1 heterozygote.
Comment: This study involves interpretation of variants in research participants for the purpose of population health screening. Participant phenotype was not available at the time of variant classification. Additional details can be found in publication PMID: 35346344, PMCID: PMC8962531